The following is an entry in ClinVar:

ClinVar aggregate classification (germline): Uncertain significance. Review status: criteria provided, multiple submitters, no conflicts (2 of 4 stars). 2 submissions from 2 submitters: Uncertain significance (2). Last evaluated 2025-09-04.

Conditions:
Epidermolysis bullosa simplex 5B, with muscular dystrophy (EBS5B). Also called: Epidermolysis bullosa simplex with muscular dystrophy; EPIDERMOLYSIS BULLOSA SIMPLEX AND LIMB-GIRDLE MUSCULAR DYSTROPHY. Identifiers: Orphanet 257, MedGen C2931072, MONDO:0009181, OMIM 226670.
Autosomal recessive limb-girdle muscular dystrophy type 2Q (LGMDR17). Also called: MUSCULAR DYSTROPHY, LIMB-GIRDLE, AUTOSOMAL RECESSIVE 17. Identifiers: Orphanet 254361, MedGen C3150989, MONDO:0013390, OMIM 613723.
Epidermolysis bullosa simplex 5C, with pyloric atresia (EBS5C). Also called: PLEC-Related Epidermolysis Bullosa with Pyloric Atresia; PLEC1-Related Epidermolysis Bullosa with Pyloric Atresia; Epidermolysis bullosa simplex with pyloric atresia. Identifiers: Orphanet 158684, MedGen C2677349, MONDO:0012807, OMIM 612138.
Epidermolysis bullosa simplex, Ogna type (EBS5A). Also called: Pidermolysis bullosa simplex 5A, Ogna type; EPIDERMOLYSIS BULLOSA SIMPLEX 5A, OGNA TYPE. Identifiers: Orphanet 79401, MedGen C0432317, MONDO:0007555, OMIM 131950.
Epidermolysis bullosa simplex with nail dystrophy (EBS5D). Identifiers: MedGen C4225309, MONDO:0014661, OMIM 616487.
PLEC-related disorder. Also called: PLEC-related condition; PLEC-related disorders.

Allele frequency attached by ClinVar (database versions not stated): gnomAD 0.00001; gnomAD exomes 0.00002; TOPMed 0.00002; ExAC 0.00003; ESP Exome Variant Server 0.00008.
gnomAD v4.1: 22 of 1,612,870 alleles (0.0014%); highest among the groups gnomAD compares: South Asian, 0.0099%; no homozygotes.

Submissions (2):

Labcorp Genetics (formerly Invitae), Labcorp
Classification: Uncertain significance for Autosomal recessive limb-girdle muscular dystrophy type 2Q; Epidermolysis bullosa simplex, Ogna type; Epidermolysis bullosa simplex with nail dystrophy; Epidermolysis bullosa simplex 5C, with pyloric atresia; Epidermolysis bullosa simplex 5B, with muscular dystrophy. Last evaluated: 2025-09-04. Review status: criteria provided, single submitter. Criteria: Invitae Variant Classification Sherloc (09022015). Collection method: clinical testing. Allele origin: germline.
Comment: This sequence change replaces arginine, which is basic and polar, with histidine, which is basic and polar, at codon 4356 of the PLEC protein (p.Arg4356His). This variant is present in population databases (rs372622946, gnomAD 0.01%). This variant has not been reported in the literature in individuals affected with PLEC-related conditions. ClinVar contains an entry for this variant (Variation ID: 641140). Invitae Evidence Modeling of protein sequence and biophysical properties (such as structural, functional, and spatial information, amino acid conservation, physicochemical variation, residue mobility, and thermodynamic stability) indicates that this missense variant is not expected to disrupt PLEC protein function with a negative predictive value of 80%. In summary, the available evidence is currently insufficient to determine the role of this variant in disease. Therefore, it has been classified as a Variant of Uncertain Significance.

PreventionGenetics, part of Exact Sciences
Classification: Uncertain significance for PLEC-related condition. Last evaluated: 2025-02-21. Review status: criteria provided, single submitter. Criteria: ACMG Guidelines, 2015. Collection method: clinical testing. Allele origin: germline.
Comment: The PLEC c.13067G>A variant is predicted to result in the amino acid substitution p.Arg4356His. To our knowledge, this variant has not been reported in the literature. This variant is reported in 0.013% of alleles in individuals of South Asian descent in gnomAD. At this time, the clinical significance of this variant is uncertain due to the absence of conclusive functional and genetic evidence.

NM_201384.3(PLEC):c.12986G>A (p.Arg4329His)

Gene: PLEC (plectin; minus strand). Cytogenetic location: 8q24.3.
Variant type: single nucleotide variant.
Coding change: c.12986G>A on transcript NM_201384.3 (MANE Select); coding-DNA position 12986, G replaced by A.
Protein change: p.Arg4329His; replaces arginine 4329 with histidine.
Molecular consequence: missense variant.
Genome position (GRCh38, 1-based): chr8:143,916,835, C>T on the plus strand (G>A on the coding strand, the complement: PLEC is on the minus strand). VCF-style: chr8-143916835-C-T. GRCh37 (hg19) VCF-style: chr8-144991003-C-T.
Other names: c.13067G>A, p.Arg4356His (NM_000445.5); c.12944G>A, p.Arg4315His (NM_201378.4); c.12920G>A, p.Arg4307His (NM_201379.3); c.13397G>A, p.Arg4466His (NM_201380.4); c.12890G>A, p.Arg4297His (NM_201381.3); c.12986G>A, p.Arg4329His (NM_201382.4); c.12998G>A, p.Arg4333His (NM_201383.3); short protein forms R4466H, R4329H, R4356H, R4315H, R4297H, R4307H, R4333H.
Identifiers: ClinVar variation 641140 (VCV000641140.8), dbSNP rs372622946, ClinGen allele CA4923933.